The following is an entry in ClinVar:

ClinVar aggregate classification (germline): Likely benign (1 of 4 stars; one submission).

Submission:

CeGaT Center for Human Genetics Tuebingen
Classification: Likely benign. Last evaluated: 2026-09-01. Review status: criteria provided, single submitter. Criteria: CeGaT Center For Human Genetics Tuebingen Variant Classification Criteria Version 2. Collection method: clinical testing. Allele origin: germline. Affected: yes. Observed: 1 variant allele.
Comment: ANKRD11: PM2:Supporting, BP4, BP7

NM_013275.6(ANKRD11):c.6753G>A (p.Leu2251=)

Gene: ANKRD11 (ankyrin repeat domain 11; minus strand). Cytogenetic location: 16q24.3.
Variant type: single nucleotide variant.
Coding change: c.6753G>A on transcript NM_013275.6 (MANE Select); coding-DNA position 6753, G replaced by A.
Protein change: p.Leu2251=; no amino-acid change (leucine 2251 retained).
Molecular consequence: synonymous variant.
Genome position (GRCh38, 1-based): chr16:89,279,789, C>T on the plus strand (G>A on the coding strand, the complement: ANKRD11 is on the minus strand). VCF-style: chr16-89279789-C-T. GRCh37 (hg19) VCF-style: chr16-89346197-C-T.
Other names: c.6753G>A, p.Leu2251= (NM_001256182.2, NM_001256183.2).
Identifiers: ClinVar variation 5041202 (VCV005041202.1).